The following is an entry in ClinVar:

ClinVar aggregate classification (germline): Likely benign (1 of 4 stars; one submission).

Conditions:
Hereditary breast ovarian cancer syndrome. Also called: Hereditary breast and/or ovarian cancer syndrome; BRCA1- and BRCA2-Associated Hereditary Breast and Ovarian Cancer; Hereditary breast and ovarian cancer syndrome; Hereditary breast and ovarian cancer; Hereditary breast and ovarian cancer syndrome (HBOC); Breast and ovarian cancer. Identifiers: Orphanet 145, MedGen C0677776, MeSH D061325, MONDO:0003582. Disease mechanism: loss of function.

Submissions (2):

Labcorp Genetics (formerly Invitae), Labcorp
Classification: Likely benign for Hereditary breast ovarian cancer syndrome. Last evaluated: 2025-03-29. Review status: criteria provided, single submitter. Criteria: Invitae Variant Classification Sherloc (09022015). Collection method: clinical testing. Allele origin: germline.

Brotman Baty Institute, University of Washington
No classification provided (evidence only). Condition: Breast-ovarian cancer, familial 1. Review status: no classification provided. Collection method: in vitro. Allele origin: not applicable. Functional consequence: functionally_normal. Not counted in ClinVar's aggregate classification.
ClinVar note: "not provided" was previously submitted as the classification for the variant. However, the classification appeared to be based only on an observation of functional data so it was converted to no classification on 2025-07-30.

NM_007294.4(BRCA1):c.81-4C>A

Gene: BRCA1 (BRCA1 DNA repair associated; minus strand). Cytogenetic location: 17q21.31.
Variant type: single nucleotide variant.
Coding change: c.81-4C>A on transcript NM_007294.4 (MANE Select); 4 bases into the intron before coding-DNA position 81, C replaced by A.
Molecular consequence: intron variant.
Genome position (GRCh38, 1-based): chr17:43,115,783, G>T on the plus strand (C>A on the coding strand, the complement: BRCA1 is on the minus strand). VCF-style: chr17-43115783-G-T. GRCh37 (hg19) VCF-style: chr17-41267800-G-T.
Other names: c.-61-4C>A (NM_001408458.1, NM_001408470.1, NM_001407848.1 and 47 more transcripts); c.-219+9494C>A (NM_001407967.1); c.-170+9494C>A (NM_001407959.1); c.-7-9250C>A (NM_001407931.1, NM_001407747.1, NM_001408511.1 and 2 more transcripts); c.-223-4C>A (NM_001407962.1, NM_001408512.1, NM_001408510.1 and 1 more transcripts); c.-108-4C>A (NM_001407885.1, NM_001407886.1, NM_001408509.1 and 52 more transcripts); c.-177-4C>A (NM_001407746.1, NM_001408468.1, NM_001407842.1 and 13 more transcripts); c.-8+8234C>A (NM_001408461.1, NM_001407738.1, NM_001407932.1 and 23 more transcripts); and 10 more.
Identifiers: ClinVar variation 865086 (VCV000865086.7), dbSNP rs1000484532, ClinGen allele CA290823722.